The following is an entry in ClinVar:

ClinVar aggregate classification (germline): Pathogenic (1 of 4 stars; one submission).

Submission:

Labcorp Genetics (formerly Invitae), Labcorp
Classification: Pathogenic. Last evaluated: 2021-11-15. Review status: criteria provided, single submitter. Criteria: Invitae Variant Classification Sherloc (09022015). Collection method: clinical testing. Allele origin: germline.
Comment: This variant is a gross deletion of the genomic region encompassing exon(s) 17-18 of the LIFR gene. This deletion is out-of-frame, and is expected to create a premature termination codon and result in an absent or disrupted protein product. Loss-of-function variants in LIFR are known to be pathogenic (PMID: 14740318). This variant has not been reported in the literature in individuals affected with LIFR-related conditions. For these reasons, this variant has been classified as Pathogenic.

Literature cited by the submitters: PubMed 14740318.

NC_000005.9:g.(?_38484867)_(38486092_?)del

Gene: LIFR (LIF receptor subunit alpha; minus strand). Cytogenetic location: 5p13.1.
Variant type: Deletion.
Identifiers: ClinVar variation 2424398 (VCV002424398.2).